The following is an entry in ClinVar:

NM_007294.4(BRCA1):c.3130A>G (p.Ile1044Val)

Gene: BRCA1 (BRCA1 DNA repair associated; minus strand). Cytogenetic location: 17q21.31.
Variant type: single nucleotide variant.
Coding change: c.3130A>G on transcript NM_007294.4 (MANE Select); coding-DNA position 3130, A replaced by G.
Protein change: p.Ile1044Val; replaces isoleucine 1044 with valine.
Molecular consequence: missense variant. On other transcripts: intron variant (137).
Genome position (GRCh38, 1-based): chr17:43,092,401, T>C on the plus strand (A>G on the coding strand, the complement: BRCA1 is on the minus strand). VCF-style: chr17-43092401-T-C. GRCh37 (hg19) VCF-style: chr17-41244418-T-C.
Other names: p.I1044V:ATT>GTT; 3249A>G; c.2917A>G, p.Ile973Val (NM_001407571.1, NM_001407894.1, NM_001407915.1 and 9 more transcripts); c.3130A>G, p.Ile1044Val (NM_001407581.1, NM_001407582.1, NM_001407583.1 and 30 more transcripts); c.3127A>G, p.Ile1043Val (NM_001407587.1, NM_001407590.1, NM_001407591.1 and 22 more transcripts); c.3121A>G, p.Ile1041Val (NM_001407646.1, NM_001407647.1); c.3007A>G, p.Ile1003Val (NM_001407648.1, NM_001407664.1, NM_001407665.1 and 19 more transcripts); c.3004A>G, p.Ile1002Val (NM_001407649.1, NM_001407670.1, NM_001407671.1 and 11 more transcripts); and 43 more; short protein forms I1044V, I997V, I1017V, I1018V, I1041V, I917V, I932V, I973V.
Identifiers: ClinVar variation 37510 (VCV000037510.30), dbSNP rs80357271, ClinGen allele CA002046.
Genomic context (GRCh38, chr17:43,092,401, plus strand): 5'-TGGAACCTATTTCATTAATACTGGAGCCCACTTCATTAGTACTGGAACCTACTTCATTAA[T>C]ATTGCTTGAGCTGGCTTCTTTAAAAACATTTTCTCTAATGTTATTACGGCTAATTGTGCT-3'
Protein context (NP_009225.1, residues 1034-1054): NVFKEASSSN[Ile1044Val]NEVGSSTNEV

ClinVar aggregate classification (germline): Benign. Review status: reviewed by expert panel (3 of 4 stars). 14 submissions from 14 submitters: Benign (1). 13 of the submissions do not count toward it. Last evaluated 2015-08-10.

Conditions:
Hereditary cancer-predisposing syndrome. Also called: Neoplastic Syndromes, Hereditary; Tumor predisposition; Hereditary Cancer Syndrome; Hereditary neoplastic syndrome. Identifiers: Orphanet 140162, MedGen C0027672, MeSH D009386, MONDO:0015356.
Hereditary breast ovarian cancer syndrome. Also called: Hereditary breast and ovarian cancer; Breast and ovarian cancer; Hereditary breast and/or ovarian cancer syndrome; Hereditary breast and ovarian cancer syndrome (HBOC); Hereditary breast and ovarian cancer syndrome; BRCA1- and BRCA2-Associated Hereditary Breast and Ovarian Cancer. Identifiers: Orphanet 145, MedGen C0677776, MeSH D061325, MONDO:0003582. Disease mechanism: loss of function.
Breast-ovarian cancer, familial, susceptibility to, 1 (BROVCA1). Also called: OVARIAN CANCER, SUSCEPTIBILITY TO; BRCA1 Hereditary Breast and Ovarian Cancer. Identifiers: Orphanet 145, MedGen C2676676, MONDO:0011450, OMIM 604370. Disease mechanism: loss of function.
Malignant tumor of breast. Also called: Malignant breast neoplasm; Cancer breast. Identifiers: MedGen C0006142, MONDO:0007254. Disease mechanism: loss of function.

Allele frequency attached by ClinVar (database versions not stated): ExAC 0.00002; gnomAD 0.00002; gnomAD exomes 0.00002 and 0.00003; TOPMed 0.00003.
gnomAD v4.1: 26 of 1,613,822 alleles (0.0016%); highest among the groups gnomAD compares: African/African-American, 0.0053%; no homozygotes.

Submissions (14):

Evidence-based Network for the Interpretation of Germline Mutant Alleles (ENIGMA)
Classification: Benign for Breast-ovarian cancer, familial 1. Last evaluated: 2015-08-10. Review status: reviewed by expert panel. Criteria: ENIGMA BRCA1/2 Classification Criteria (2015). Collection method: curation. Allele origin: germline.
Comment: IARC class based on posterior probability from multifactorial likelihood analysis, thresholds for class as per Plon et al. 2008 (PMID: 18951446). Class 1 based on posterior probability = 0.00000234

CeGaT Center for Human Genetics Tuebingen
Classification: Likely benign. Last evaluated: 2026-02-01. Review status: criteria provided, single submitter. Criteria: CeGaT Center For Human Genetics Tuebingen Variant Classification Criteria Version 2. Collection method: clinical testing. Allele origin: germline. Affected: yes. Observed: 1 variant allele. Not counted in ClinVar's aggregate classification.
Comment: BRCA1: BP4

Labcorp Genetics (formerly Invitae), Labcorp
Classification: Benign for Hereditary breast ovarian cancer syndrome. Last evaluated: 2025-11-10. Review status: criteria provided, single submitter. Criteria: Invitae Variant Classification Sherloc (09022015). Collection method: clinical testing. Allele origin: germline. Not counted in ClinVar's aggregate classification.

Center for Genomic Medicine, Rigshospitalet, Copenhagen University Hospital
Classification: Benign. Last evaluated: 2025-03-04. Review status: criteria provided, single submitter. Criteria: ACMG Guidelines, 2015. Collection method: clinical testing. Allele origin: germline. Not counted in ClinVar's aggregate classification.

Blueprint Genetics
Classification: Likely benign. Last evaluated: 2018-09-10. Review status: criteria provided, single submitter. Criteria: ACMG Guidelines, 2015. Collection method: clinical testing. Allele origin: germline. Not counted in ClinVar's aggregate classification.

GeneDx
Classification: Likely benign. Last evaluated: 2017-12-27. Review status: criteria provided, single submitter. Criteria: GeneDx Variant Classification (06012015). Collection method: clinical testing. Allele origin: germline. Affected: yes. Not counted in ClinVar's aggregate classification.
Comment: This variant is considered likely benign or benign based on one or more of the following criteria: it is a conservative change, it occurs at a poorly conserved position in the protein, it is predicted to be benign by multiple in silico algorithms, and/or has population frequency not consistent with disease.

Color Diagnostics, LLC DBA Color Health
Classification: Benign for Hereditary cancer-predisposing syndrome. Last evaluated: 2017-03-31. Review status: criteria provided, single submitter. Criteria: ACMG Guidelines, 2015. Collection method: clinical testing. Allele origin: germline. Not counted in ClinVar's aggregate classification.

PreventionGenetics, part of Exact Sciences
Classification: Likely benign. Last evaluated: 2017-01-10. Review status: criteria provided, single submitter. Criteria: ACMG Guidelines, 2015. Collection method: clinical testing. Allele origin: germline. Not counted in ClinVar's aggregate classification.

Women's Health and Genetics/Laboratory Corporation of America, LabCorp
Classification: Likely benign. Last evaluated: 2016-11-07. Review status: criteria provided, single submitter. Criteria: LabCorp Variant Classification Summary - May 2015. Collection method: clinical testing. Allele origin: germline. Not counted in ClinVar's aggregate classification.
Comment: Variant summary: The BRCA1 c.3130A>G (p.Ile1044Val) variant involves the alteration of a non-conserved nucleotide. 4/4 in silico tools predict a benign outcome for this variant (SNPs&GO not captured due to low reliability index). This variant was found in 3/121366 control chromosomes at a frequency of 0.0000247, which does not exceed the estimated maximal expected allele frequency of a pathogenic BRCA1 variant (0.0010005). Multiple studies (Easton_BRCA2_AJHG_2007, Lindor_BRCA2_HM_2012, Pavlicek_HMG_2004, et al.), using different analyses such as comparative sequence comparison and computational multifactorial probability based modeling classified variant of interest as benign. In addition, multiple clinical diagnostic laboratories/reputable databases classified this variant as benign/likely benign. Therefore, taken together, this variant has been classified as likely benign.

Ambry Genetics
Classification: Benign for Hereditary cancer-predisposing syndrome. Last evaluated: 2014-11-18. Review status: criteria provided, single submitter. Criteria: Ambry Variant Classification Scheme 2023. Collection method: clinical testing. Allele origin: germline. Not counted in ClinVar's aggregate classification.

Counsyl
Classification: Likely benign for Breast-ovarian cancer, familial, susceptibility to, 1. Last evaluated: 2016-10-11. Review status: no assertion criteria provided. Collection method: clinical testing. Allele origin: unknown. Not counted in ClinVar's aggregate classification.

Sharing Clinical Reports Project (SCRP)
Classification: Benign for Breast-ovarian cancer, familial 1. Last evaluated: 2008-07-29. Review status: no assertion criteria provided. Collection method: clinical testing. Allele origin: germline. Not counted in ClinVar's aggregate classification.

Breast Cancer Information Core (BIC) (BRCA1)
Classification: Uncertain significance for Breast-ovarian cancer, familial 1. Last evaluated: 2004-02-20. Review status: no assertion criteria provided. Collection method: clinical testing. Allele origin: germline. Affected: yes. Observed: 1 variant allele. Not counted in ClinVar's aggregate classification.

Department of Pathology and Laboratory Medicine, Sinai Health System
Classification: Likely benign for Malignant tumor of breast. Review status: no assertion criteria provided. Collection method: clinical testing. Allele origin: unknown. Affected: yes. Observed: 1 variant allele. Study: The Canadian Open Genetics Repository (COGR). Not counted in ClinVar's aggregate classification.
Comment: The BRCA1 p.Ile1044Val variant was identified in the literature in a large data set of probands tested by Myriad Genetic Laboratories; however, the number of probands positive for the variant was not indicated (Easton 2007). The variant was identified in dbSNP (ID: rs80357271), LOVD, the BIC database (1X with unknown clinical importance, and Clinvar (classified as a benign variant by the Sharing Clinical Reports Project, derived from Myriad reports). The c.3130A>G variant occurs outside of the splicing consensus sequence and in silico or computational prediction software (SpliceSiteFinder, MaxEntScan, NNSPLICE, GeneSplicer, HumanSpliceFinder) does not predict a difference in splicing in 4 of 5 different programs. The p.Ile1044 residue is not conserved in mammals and the variant amino acid valine (Val) is present in dog, cow, and chicken, increasing the likelihood that this variant does not have clinical significance. Computational analyses (PolyPhen-2, SIFT, AlignGVGD, BLOSUM, MutationTaster) do not suggest a high likelihood of impact to the protein. However, this information is not predictive enough to rule out pathogenicity. Two multifactorial likelihood-ratio models predict the variant to be neutral or not pathogenic (Easton 2007, Lindor 2012). In summary, based on the above information, the clinical significance of this variant cannot be determined with certainty at this time although we would lean towards a more benign role for this variant. This variant is classified as predicted benign.

Literature cited by the submitters: PubMed 21990134 (cited by 3 submitters); PubMed 25348012 (cited by Women's Health and Genetics/Laboratory Corporation of America, LabCorp); PubMed 22753008 (cited by Women's Health and Genetics/Laboratory Corporation of America, LabCorp); PubMed 17924331 (cited by Women's Health and Genetics/Laboratory Corporation of America, LabCorp and Counsyl); PubMed 26689913 (cited by Women's Health and Genetics/Laboratory Corporation of America, LabCorp); PubMed 15385441 (cited by Women's Health and Genetics/Laboratory Corporation of America, LabCorp).